The following is an entry in ClinVar:

NM_006218.4(PIK3CA):c.1417T>A (p.Leu473Ile)

Gene: PIK3CA (phosphatidylinositol-4,5-bisphosphate 3-kinase catalytic subunit alpha; plus strand). Cytogenetic location: 3q26.32.
Variant type: single nucleotide variant.
Coding change: c.1417T>A on transcript NM_006218.4 (MANE Select); coding-DNA position 1417, T replaced by A.
Protein change: p.Leu473Ile; replaces leucine 473 with isoleucine.
Molecular consequence: missense variant.
Genome position (GRCh38, 1-based): chr3:179,210,443, T>A. VCF-style: chr3-179210443-T-A. GRCh37 (hg19) VCF-style: chr3-178928231-T-A.
Other names: short protein forms L473I.
Identifiers: ClinVar variation 5026686 (VCV005026686.1).

ClinVar aggregate classification (germline): Uncertain significance (1 of 4 stars; one submission).

Conditions:
Inborn genetic diseases. Identifiers: MedGen C0950123, MeSH D030342.

Submission:

Ambry Genetics
Classification: Uncertain significance for Inborn genetic diseases. Last evaluated: 2026-07-07. Review status: criteria provided, single submitter. Criteria: Ambry Variant Classification Scheme 2023. Collection method: clinical testing. Allele origin: germline.
Comment: The p.L473I variant (also known as c.1417T>A), located in coding exon 8 of the PIK3CA gene, results from a T to A substitution at nucleotide position 1417. The leucine at codon 473 is replaced by isoleucine, an amino acid with highly similar properties. This amino acid position is conserved. In addition, this alteration is predicted to be tolerated by in silico analysis. Based on the available evidence, the clinical significance of this variant remains unclear.